The following is an entry in ClinVar:

NM_001378452.1(ITPR1):c.7541C>T (p.Ser2514Phe)

Gene: ITPR1 (inositol 1,4,5-trisphosphate receptor type 1; plus strand). Cytogenetic location: 3p26.1.
Variant type: single nucleotide variant.
Coding change: c.7541C>T on transcript NM_001378452.1 (MANE Select); coding-DNA position 7541, C replaced by T.
Protein change: p.Ser2514Phe; replaces serine 2514 with phenylalanine.
Molecular consequence: missense variant.
Genome position (GRCh38, 1-based): chr3:4,813,214, C>T. VCF-style: chr3-4813214-C-T. GRCh37 (hg19) VCF-style: chr3-4854898-C-T.
Other names: c.7397C>T, p.Ser2466Phe (NM_001099952.4); c.7496C>T, p.Ser2499Phe (NM_001168272.2); c.7352C>T, p.Ser2451Phe (NM_002222.7); short protein forms S2451F, S2466F, S2499F, S2514F.
Identifiers: ClinVar variation 4530008 (VCV004530008.1).
Genomic context (GRCh38, chr3:4,813,214, plus strand): 5'-GTTTGGCAAGCGAGTTCCTGTTCTCCGATGTGTGTAGGGTGGAGAGTGGGGAGAACTGCT[C>T]CTCTCCTGCACCCAGAGAAGGTAGGACCTCCTAACTGTAAGCCCCATGTTAATATCGGAC-3'
Protein context (NP_001365381.1, residues 2504-2524): VCRVESGENC[Ser2514Phe]SPAPREELVP

ClinVar aggregate classification (germline): Uncertain significance (1 of 4 stars; one submission).

Submission:

GeneDx
Classification: Uncertain significance. Last evaluated: 2025-05-13. Review status: criteria provided, single submitter. Criteria: GeneDx Variant Classification Process June 2021. Collection method: clinical testing. Allele origin: germline. Affected: yes.
Comment: Not observed at significant frequency in large population cohorts (gnomAD); In silico analysis suggests that this missense variant does not alter protein structure/function; Has not been previously published as pathogenic or benign to our knowledge